The following is an entry in ClinVar:

NM_001972.4(ELANE):c.496G>A (p.Ala166Thr)

Gene: ELANE (elastase, neutrophil expressed; plus strand). Cytogenetic location: 19p13.3.
Variant type: single nucleotide variant.
Coding change: c.496G>A on transcript NM_001972.4 (MANE Select); coding-DNA position 496, G replaced by A.
Protein change: p.Ala166Thr; replaces alanine 166 with threonine.
Molecular consequence: missense variant.
Genome position (GRCh38, 1-based): chr19:855,693, G>A. VCF-style: chr19-855693-G-A. GRCh37 (hg19) VCF-style: chr19-855693-G-A.
Other names: short protein forms A166T.
Identifiers: ClinVar variation 2422038 (VCV002422038.23), dbSNP rs201788817, ClinGen allele CA9026075.

ClinVar aggregate classification (germline): Conflicting classifications of pathogenicity. Review status: criteria provided, conflicting classifications (1 of 4 stars). 2 submissions from 2 submitters: Uncertain significance (1); Likely benign (1). Last evaluated 2025-08-27.

Conditions:
Neutropenia, severe congenital, 1, autosomal dominant. Identifiers: MedGen C1859966, MONDO:0042490, OMIM 202700.
Cyclical neutropenia. Also called: Cyclic hematopoiesis; Cyclic Neutropenia. Identifiers: Orphanet 2686, MedGen C0221023, MONDO:0008090, OMIM 162800, HP:0040289. Disease mechanism: loss of function.

Allele frequency attached by ClinVar (database versions not stated): TOPMed below 0.00001; gnomAD 0.00001; gnomAD exomes 0.00001; ExAC 0.00002.

Submissions (2):

Labcorp Genetics (formerly Invitae), Labcorp
Classification: Uncertain significance for Neutropenia, severe congenital, 1, autosomal dominant; Cyclical neutropenia. Last evaluated: 2025-08-27. Review status: criteria provided, single submitter. Criteria: Invitae Variant Classification Sherloc (09022015). Collection method: clinical testing. Allele origin: germline.
Comment: This sequence change replaces alanine, which is neutral and non-polar, with threonine, which is neutral and polar, at codon 166 of the ELANE protein (p.Ala166Thr). The frequency data for this variant in the population databases is considered unreliable, as metrics indicate poor data quality at this position in the gnomAD database. This missense change has been observed in individual(s) with neutropenia (PMID: 33179225). ClinVar contains an entry for this variant (Variation ID: 2422038). An algorithm developed to predict the effect of missense changes on protein structure and function outputs the following: PolyPhen-2: "Possibly Damaging". The threonine amino acid residue is found in multiple mammalian species, which suggests that this missense change does not adversely affect protein function. In summary, the available evidence is currently insufficient to determine the role of this variant in disease. Therefore, it has been classified as a Variant of Uncertain Significance.

CeGaT Center for Human Genetics Tuebingen
Classification: Likely benign. Last evaluated: 2024-06-01. Review status: criteria provided, single submitter. Criteria: CeGaT Center For Human Genetics Tuebingen Variant Classification Criteria Version 2. Collection method: clinical testing. Allele origin: germline. Affected: yes. Observed: 1 variant allele.
Comment: ELANE: BP4

Literature cited by the submitters: PubMed 33179225 (cited by Labcorp Genetics (formerly Invitae), Labcorp).